The following is an entry in ClinVar:

NM_015166.4(MLC1):c.839C>A (p.Ser280Ter)

Gene: MLC1 (modulator of VRAC current 1; minus strand). Cytogenetic location: 22q13.33.
Variant type: single nucleotide variant.
Coding change: c.839C>A on transcript NM_015166.4 (MANE Select); coding-DNA position 839, C replaced by A.
Protein change: p.Ser280Ter; replaces serine 280 with a stop codon.
Molecular consequence: nonsense. On other transcripts: non-coding transcript variant (3).
Genome position (GRCh38, 1-based): chr22:50,068,488, G>T on the plus strand (C>A on the coding strand, the complement: MLC1 is on the minus strand). VCF-style: chr22-50068488-G-T. GRCh37 (hg19) VCF-style: chr22-50506917-G-T.
Other names: c.839C>A, p.Ser280Ter (NM_001376472.1, NM_001376473.1, NM_001376474.1 and 5 more transcripts); c.782C>A, p.Ser261Ter (NM_001376479.1); c.749C>A, p.Ser250Ter (NM_001376480.1); c.737C>A, p.Ser246Ter (NM_001376481.1); c.683C>A, p.Ser228Ter (NM_001376482.1, NM_001376483.1); c.602C>A, p.Ser201Ter (NM_001376484.1); short protein forms S201*, S228*, S246*, S250*, S261*, S280*.
Identifiers: ClinVar variation 983677 (VCV000983677.3), dbSNP rs121908341, ClinGen allele CA412107672.

ClinVar aggregate classification (germline): Likely pathogenic (1 of 4 stars; one submission).

Conditions:
Megalencephalic leukoencephalopathy with subcortical cysts 1 (MLC1). Also called: LEUKOENCEPHALOPATHY WITH SWELLING AND CYSTS; VACUOLATING MEGALENCEPHALIC LEUKOENCEPHALOPATHY WITH SUBCORTICAL CYSTS. Identifiers: Orphanet 2478, MedGen C5779875, MONDO:0024555, OMIM 604004.

Submission:

Myriad Genetics, Inc.
Classification: Likely pathogenic for Megalencephalic leukoencephalopathy with subcortical cysts 1. Last evaluated: 2019-04-08. Review status: criteria provided, single submitter. Criteria: Myriad Women's Health Autosomal Recessive and X-Linked Classification Criteria (2019). Collection method: clinical testing. Allele origin: unknown.
Comment: NM_015166.3(MLC1):c.839C>A(S280*) is expected to be pathogenic in the context of megalencephalic leukoencephalopathy with subcortical cysts. This variant is predicted to lead to an abnormal or absent protein product due to the creation of a premature termination codon in MLC1, a gene where loss-of-function variants are known to be pathogenic. Please note: this variant was assessed in the context of healthy population screening.